The following is an entry in ClinVar:

ClinVar aggregate classification (germline): Uncertain significance (1 of 4 stars; one submission).

Conditions:
Inborn genetic diseases. Identifiers: MedGen C0950123, MeSH D030342.

Submission:

Ambry Genetics
Classification: Uncertain significance for Inborn genetic diseases. Last evaluated: 2022-06-11. Review status: criteria provided, single submitter. Criteria: Ambry Variant Classification Scheme 2023. Collection method: clinical testing. Allele origin: germline.
Comment: The p.F2440C variant (also known as c.7319T>G), located in coding exon 43 of the ATR gene, results from a T to G substitution at nucleotide position 7319. The phenylalanine at codon 2440 is replaced by cysteine, an amino acid with highly dissimilar properties. This amino acid position is conserved. In addition, this alteration is predicted to be deleterious by in silico analysis. Since supporting evidence is limited at this time, the clinical significance of this alteration remains unclear.

NM_001184.4(ATR):c.7319T>G (p.Phe2440Cys)

Gene: ATR (ATR checkpoint kinase; minus strand). Cytogenetic location: 3q23.
Variant type: single nucleotide variant.
Coding change: c.7319T>G on transcript NM_001184.4 (MANE Select); coding-DNA position 7319, T replaced by G.
Protein change: p.Phe2440Cys; replaces phenylalanine 2440 with cysteine.
Molecular consequence: missense variant.
Genome position (GRCh38, 1-based): chr3:142,459,257, A>C on the plus strand (T>G on the coding strand, the complement: ATR is on the minus strand). VCF-style: chr3-142459257-A-C. GRCh37 (hg19) VCF-style: chr3-142178099-A-C.
Other names: c.7127T>G, p.Phe2376Cys (NM_001354579.2); short protein forms F2376C, F2440C.
Identifiers: ClinVar variation 1758292 (VCV001758292.2), dbSNP rs2108261428, ClinGen allele CA354796578.